The following is an entry in ClinVar:

ClinVar aggregate classification (germline): Pathogenic. Review status: criteria provided, multiple submitters, no conflicts (2 of 4 stars). 7 submissions from 7 submitters: Pathogenic (4). 3 of the submissions do not count toward it. Last evaluated 2026-01-26.

Conditions:
Hypotonia, ataxia, and delayed development syndrome (HADDS). Also called: EBF3 Neurodevelopmental Disorder. Identifiers: Orphanet 658843, MedGen C4310618, MONDO:0015021, OMIM 617330.
EBF3-related disorder. Identifiers: MedGen CN239924.
Neurodevelopmental disorder. Identifiers: MedGen C1535926, MeSH D065886, MONDO:0700092.

Submissions (7):

Medical and Scientific Branch, Hong Kong Genome Institute
Classification: Pathogenic for Hypotonia, ataxia, and delayed development syndrome. Last evaluated: 2026-01-26. Review status: criteria provided, single submitter. Criteria: ACMG Guidelines, 2015. Collection method: clinical testing. Allele origin: paternal. Affected: yes.

Blueprint Genetics
Classification: Pathogenic for EBF3-related disorders. Last evaluated: 2022-11-10. Review status: criteria provided, single submitter. Criteria: ACMG Guidelines, 2015. Collection method: clinical testing. Allele origin: germline. Affected: yes. Observed: 1 variant allele.

Centre for Mendelian Genomics, University Medical Centre Ljubljana
Classification: Pathogenic for Hypotonia, ataxia, and delayed development syndrome. Last evaluated: 2019-07-30. Review status: criteria provided, single submitter. Criteria: ACMG Guidelines, 2015. Collection method: clinical testing. Allele origin: unknown. Affected: yes.
Comment: This variant was classified as: Pathogenic. The following ACMG criteria were applied in classifying this variant: PVS1,PM2,PP3,PP5.

GeneDx
Classification: Pathogenic. Last evaluated: 2017-07-11. Review status: criteria provided, single submitter. Criteria: GeneDx Variant Classification (06012015). Collection method: clinical testing. Allele origin: germline. Affected: yes.
Comment: The R206X variant in the EBF3 gene has been reported previously in two siblings with hypotonia, ataxia, facial dysmorphism, and developmental delay. Although the variant appeared de novo in each sibling, close inspection of the parental data suggested germline mosaicism (Sleven et al., 2017). This variant is predicted to cause loss of normal protein function either through protein truncation or nonsense-mediated mRNA decay. The R206X variant is not observed in large population cohorts (Lek et al., 2016; 1000 Genomes Consortium et al., 2015; Exome Variant Server). We interpret R206X as a pathogenic variant.

OMIM
Classification: Pathogenic for HYPOTONIA, ATAXIA, AND DELAYED DEVELOPMENT SYNDROME. Last evaluated: 2017-02-07. Review status: no assertion criteria provided. Collection method: literature only. Allele origin: germline. Not counted in ClinVar's aggregate classification.

Molecular Genetics Laboratory, BC Children's and BC Women's Hospitals
Classification: Pathogenic for Neurodevelopmental disorder. Last evaluated: 2017-01-12. Review status: no assertion criteria provided. Criteria: ACMG Guidelines, 2015. Collection method: clinical testing. Allele origin: de novo. Affected: yes. Not counted in ClinVar's aggregate classification.

GeneReviews
No classification provided. Condition: Hypotonia, ataxia, and delayed development syndrome. Review status: no classification provided. Collection method: literature only. Allele origin: germline. Not counted in ClinVar's aggregate classification.
Comment: Reported in 2 unrelated persons

Literature cited by the submitters: PubMed 28017370 (cited by OMIM and GeneReviews); PubMed 31952901 (cited by GeneReviews); PubMed 33956416 (cited by GeneReviews).

NM_001375380.1(EBF3):c.616C>T (p.Arg206Ter)

Gene: EBF3 (EBF transcription factor 3; minus strand). Cytogenetic location: 10q26.3.
Variant type: single nucleotide variant.
Coding change: c.616C>T on transcript NM_001375380.1 (MANE Select); coding-DNA position 616, C replaced by T.
Protein change: p.Arg206Ter; replaces arginine 206 with a stop codon.
Molecular consequence: nonsense.
Genome position (GRCh38, 1-based): chr10:129,877,788, G>A on the plus strand (C>T on the coding strand, the complement: EBF3 is on the minus strand). VCF-style: chr10-129877788-G-A. GRCh37 (hg19) VCF-style: chr10-131676052-G-A.
Other names: c.616C>T, p.Arg206Ter (NM_001005463.3, NM_001375379.1, NM_001375389.1 and 3 more transcripts); short protein forms R206*.
Identifiers: ClinVar variation 375503 (VCV000375503.9), dbSNP rs1057519522, ClinGen allele CA16044302.
Genomic context (GRCh38, chr10:129,877,788, plus strand): 5'-AGTCAGGACCACGGTCCACGTGTCTTTGAGAAATGTATACCTGGAATCTCCGCATATCTC[G>A]AGGGTTGCCTGCATTCTTCAAACAGTTCTGATTGCACTTGAGGAAAAACTTTAGAAAGAA-3'